The following is an entry in ClinVar:

NC_000022.10:g.(?_32187999)_(32188823_?)del

Gene: DEPDC5 (DEP domain containing 5, GATOR1 subcomplex subunit; plus strand). Cytogenetic location: 22q12.2.
Variant type: Deletion.
Identifiers: ClinVar variation 2423990 (VCV002423990.4).

ClinVar aggregate classification (germline): Pathogenic (1 of 4 stars; one submission).

Conditions:
Familial focal epilepsy with variable foci (FPEVF). Identifiers: Orphanet 98820, MedGen C1858477, MONDO:0020310.

Submission:

Labcorp Genetics (formerly Invitae), Labcorp
Classification: Pathogenic for Familial focal epilepsy with variable foci. Last evaluated: 2022-09-09. Review status: criteria provided, single submitter. Criteria: Invitae Variant Classification Sherloc (09022015). Collection method: clinical testing. Allele origin: germline.
Comment: For these reasons, this variant has been classified as Pathogenic. This variant has not been reported in the literature in individuals affected with DEPDC5-related conditions. This variant is a gross deletion of the genomic region encompassing exon(s) 11-12 of the DEPDC5 gene. This deletion is out-of-frame, and is expected to create a premature termination codon and result in an absent or disrupted protein product. Loss-of-function variants in DEPDC5 are known to be pathogenic (PMID: 23542697, 23542701).

Literature cited by the submitters: PubMed 23542697; PubMed 23542701.